The following is an entry in ClinVar:

NM_000038.6(APC):c.436G>T (p.Ala146Ser)

Gene: APC (APC regulator of Wnt signaling pathway; plus strand). Cytogenetic location: 5q22.2.
Variant type: single nucleotide variant.
Coding change: c.436G>T on transcript NM_000038.6 (MANE Select); coding-DNA position 436, G replaced by T.
Protein change: p.Ala146Ser; replaces alanine 146 with serine.
Molecular consequence: missense variant. On other transcripts: 5 prime UTR variant (1).
Genome position (GRCh38, 1-based): chr5:112,775,642, G>T. VCF-style: chr5-112775642-G-T. GRCh37 (hg19) VCF-style: chr5-112111339-G-T.
Other names: c.436G>T, p.Ala146Ser (NM_001127510.3, NM_001354895.2, NM_001354896.2 and 2 more transcripts); c.466G>T, p.Ala156Ser (NM_001127511.3, NM_001354897.2, NM_001354902.2); c.361G>T, p.Ala121Ser (NM_001354898.2, NM_001354904.2); c.259G>T, p.Ala87Ser (NM_001354900.2, NM_001354901.2, NM_001354905.2); c.-600G>T (NM_001354906.2); c.436G>T (NM_000038.5); short protein forms A121S, A146S, A156S, A87S.
Identifiers: ClinVar variation 1026805 (VCV001026805.10), dbSNP rs763181290, ClinGen allele CA16022274.
Genomic context (GRCh38, chr5:112,775,642, plus strand): 5'-TTATTAGCATTGTTTAAACGTACCTTTTTTTAAAAAAAAAAAAATAGGTCATTGCTTCTT[G>T]CTGATCTTGACAAAGAAGAAAAGGAAAAAGACTGGTATTACGCTCAACTTCAGAATCTCA-3'
Protein context (NP_000029.2, residues 136-156): ELEKERSLLL[Ala146Ser]DLDKEEKEKD

ClinVar aggregate classification (germline): Uncertain significance. Review status: criteria provided, multiple submitters, no conflicts (2 of 4 stars). 3 submissions from 3 submitters: Uncertain significance (3). Last evaluated 2025-12-17.

Conditions:
Familial adenomatous polyposis 1 (FAP1). Also called: FAMILIAL ADENOMATOUS POLYPOSIS 1, ATTENUATED; POLYPOSIS, ADENOMATOUS INTESTINAL. Identifiers: MedGen C2713442, MONDO:0021056, OMIM 175100. Disease mechanism: loss of function.
Hereditary cancer-predisposing syndrome. Also called: Hereditary Cancer Syndrome; Neoplastic Syndromes, Hereditary; Tumor predisposition; Hereditary neoplastic syndrome. Identifiers: Orphanet 140162, MedGen C0027672, MeSH D009386, MONDO:0015356.

Allele frequency attached by ClinVar (database versions not stated): TOPMed below 0.00001.

Submissions (3):

Ambry Genetics
Classification: Uncertain significance for Hereditary cancer-predisposing syndrome. Last evaluated: 2025-12-17. Review status: criteria provided, single submitter. Criteria: Ambry Variant Classification Scheme 2023. Collection method: clinical testing. Allele origin: germline.
Comment: The p.A146S variant (also known as c.436G>T), located in coding exon 4 of the APC gene, results from a G to T substitution at nucleotide position 436. The alanine at codon 146 is replaced by serine, an amino acid with similar properties. This amino acid position is highly conserved in available vertebrate species. Based on the available evidence, the clinical significance of this variant remains unclear.

Labcorp Genetics (formerly Invitae), Labcorp
Classification: Uncertain significance for Familial adenomatous polyposis 1. Last evaluated: 2025-04-14. Review status: criteria provided, single submitter. Criteria: Invitae Variant Classification Sherloc (09022015). Collection method: clinical testing. Allele origin: germline.
Comment: This sequence change replaces alanine, which is neutral and non-polar, with serine, which is neutral and polar, at codon 146 of the APC protein (p.Ala146Ser). This variant is not present in population databases (gnomAD no frequency). This variant has not been reported in the literature in individuals affected with APC-related conditions. ClinVar contains an entry for this variant (Variation ID: 1026805). Invitae Evidence Modeling of protein sequence and biophysical properties (such as structural, functional, and spatial information, amino acid conservation, physicochemical variation, residue mobility, and thermodynamic stability) indicates that this missense variant is not expected to disrupt APC protein function with a negative predictive value of 95%. In summary, the available evidence is currently insufficient to determine the role of this variant in disease. Therefore, it has been classified as a Variant of Uncertain Significance.

Quest Diagnostics Nichols Institute San Juan Capistrano
Classification: Uncertain significance. Last evaluated: 2024-12-31. Review status: criteria provided, single submitter. Criteria: Quest Diagnostics criteria. Collection method: clinical testing. Allele origin: unknown.
Comment: The APC c.436G>T (p.Ala146Ser) variant has not been reported in individuals with APC-related conditions in the published literature. It also has not been reported in large, multi-ethnic general populations (Genome Aggregation Database). Analysis of this variant using bioinformatics tools for the prediction of the effect of amino acid changes on protein structure and function yielded conflicting predictions that this variant is deleterious or benign. Based on the available information, we are unable to determine the clinical significance of this variant.